The following is an entry in ClinVar:

NM_003000.3(SDHB):c.626C>T (p.Pro209Leu)

Gene: SDHB (succinate dehydrogenase complex iron sulfur subunit B; minus strand). Cytogenetic location: 1p36.13.
Variant type: single nucleotide variant.
Coding change: c.626C>T on transcript NM_003000.3 (MANE Select); coding-DNA position 626, C replaced by T.
Protein change: p.Pro209Leu; replaces proline 209 with leucine.
Molecular consequence: missense variant.
Genome position (GRCh38, 1-based): chr1:17,023,989, G>A on the plus strand (C>T on the coding strand, the complement: SDHB is on the minus strand). VCF-style: chr1-17023989-G-A. GRCh37 (hg19) VCF-style: chr1-17350484-G-A.
Other names: c.572C>T, p.Pro191Leu (NM_001407361.1); short protein forms P191L, P209L.
Identifiers: ClinVar variation 3757990 (VCV003757990.2).

ClinVar aggregate classification (germline): Uncertain significance (1 of 4 stars; one submission).

Conditions:
Pheochromocytoma. Also called: MAX-Related Hereditary Paraganglioma-Pheochromocytoma Syndrome. Identifiers: Orphanet 29072, MedGen C0031511, MONDO:0008233, OMIM 171300, HP:0002666.
Pheochromocytoma/paraganglioma syndrome 4. Also called: CAROTID BODY TUMORS AND MULTIPLE EXTRAADRENAL PHEOCHROMOCYTOMAS; PARAGANGLIOMA, FAMILIAL MALIGNANT; PARAGANGLIOMAS, HEREDITARY EXTRAADRENAL; PHEOCHROMOCYTOMA, FAMILIAL EXTRAADRENAL; Paragangliomas 4; SDHB-Related Hereditary Paraganglioma-Pheochromocytoma Syndrome (Paragangliomas 4). Identifiers: Orphanet 29072, MedGen C1861848, MONDO:0007273, OMIM 115310.
Gastrointestinal stromal tumor. Also called: Gastrointestinal stromal tumor, somatic; Gastrointestinal stroma tumor. Identifiers: Orphanet 44890, MedGen C0238198, MeSH D046152, MONDO:0011719, OMIM 606764, HP:0100723.

Submission:

Labcorp Genetics (formerly Invitae), Labcorp
Classification: Uncertain significance for Gastrointestinal stromal tumor; Pheochromocytoma/paraganglioma syndrome 4; Pheochromocytoma. Last evaluated: 2024-06-28. Review status: criteria provided, single submitter. Criteria: Invitae Variant Classification Sherloc (09022015). Collection method: clinical testing. Allele origin: germline.
Comment: This sequence change replaces proline, which is neutral and non-polar, with leucine, which is neutral and non-polar, at codon 209 of the SDHB protein (p.Pro209Leu). This variant is not present in population databases (gnomAD no frequency). This missense change has been observed in individual(s) with SDHB-related conditions (PMID: 28490599, 34906457). Advanced modeling of protein sequence and biophysical properties (such as structural, functional, and spatial information, amino acid conservation, physicochemical variation, residue mobility, and thermodynamic stability) performed at Invitae indicates that this missense variant is expected to disrupt SDHB protein function with a positive predictive value of 80%. In summary, the available evidence is currently insufficient to determine the role of this variant in disease. Therefore, it has been classified as a Variant of Uncertain Significance.

Literature cited by the submitters: PubMed 28490599; PubMed 34906457.